The following is an entry in ClinVar:

NM_000289.6(PFKM):c.1663C>T (p.Arg555Cys)

Gene: PFKM (phosphofructokinase, muscle; plus strand). Cytogenetic location: 12q13.11.
Variant type: single nucleotide variant.
Coding change: c.1663C>T on transcript NM_000289.6 (MANE Select); coding-DNA position 1663, C replaced by T.
Protein change: p.Arg555Cys; replaces arginine 555 with cysteine.
Molecular consequence: missense variant. On other transcripts: non-coding transcript variant (6).
Genome position (GRCh38, 1-based): chr12:48,142,791, C>T. VCF-style: chr12-48142791-C-T. GRCh37 (hg19) VCF-style: chr12-48536574-C-T.
Other names: c.1876C>T, p.Arg626Cys (NM_001166686.2, NM_001354737.1, NM_001354738.1 and 1 more transcripts); c.1663C>T, p.Arg555Cys (NM_001166687.2, NM_001166688.2, NM_001354742.2 and 2 more transcripts); c.1972C>T, p.Arg658Cys (NM_001354735.1, NM_001354736.1); c.1537C>T, p.Arg513Cys (NM_001354746.2); c.1513C>T, p.Arg505Cys (NM_001354747.2, NM_001354748.2); c.1570C>T, p.Arg524Cys (NM_001363619.2); c.1807C>T, p.Arg603Cys (NM_001354740.1); c.1687C>T, p.Arg563Cys (NM_001354741.2); and 1 more; short protein forms R505C, R526C, R555C, R513C, R524C, R563C, R603C, R626C.
Identifiers: ClinVar variation 1431981 (VCV001431981.5), dbSNP rs763839998, ClinGen allele CA6537422.

ClinVar aggregate classification (germline): Uncertain significance (1 of 4 stars; one submission).

Conditions:
Glycogen storage disease, type VII (GSD7). Also called: MUSCLE PHOSPHOFRUCTOKINASE DEFICIENCY; PFKM DEFICIENCY; TARUI DISEASE; GSD VII. Identifiers: Orphanet 371, MedGen C0017926, MONDO:0009295, OMIM 232800.

Allele frequency attached by ClinVar (database versions not stated): gnomAD exomes below 0.00001 and 0.00001; ExAC 0.00001; gnomAD 0.00002; TOPMed 0.00003.
gnomAD v4.1: 14 of 1,613,658 alleles (0.00087%); highest among the groups gnomAD compares: Admixed American, 0.0033%; no homozygotes.

Submission:

Labcorp Genetics (formerly Invitae), Labcorp
Classification: Uncertain significance for Glycogen storage disease, type VII. Last evaluated: 2021-12-19. Review status: criteria provided, single submitter. Criteria: Invitae Variant Classification Sherloc (09022015). Collection method: clinical testing. Allele origin: germline.
Comment: This sequence change replaces arginine, which is basic and polar, with cysteine, which is neutral and slightly polar, at codon 555 of the PFKM protein (p.Arg555Cys). This variant is present in population databases (rs763839998, gnomAD 0.004%). This variant has not been reported in the literature in individuals affected with PFKM-related conditions. Algorithms developed to predict the effect of missense changes on protein structure and function are either unavailable or do not agree on the potential impact of this missense change (SIFT: "Deleterious"; PolyPhen-2: "Possibly Damaging"; Align-GVGD: "Class C15"). In summary, the available evidence is currently insufficient to determine the role of this variant in disease. Therefore, it has been classified as a Variant of Uncertain Significance.